The following is an entry in ClinVar:

ClinVar aggregate classification (germline): Pathogenic (1 of 4 stars; one submission).

Conditions:
Duchenne muscular dystrophy (DMD). Also called: Duchenne Muscular Dystrophy (DMD); MUSCULAR DYSTROPHY, PSEUDOHYPERTROPHIC PROGRESSIVE, DUCHENNE TYPE. Identifiers: Orphanet 98896, MedGen C0013264, MONDO:0010679, OMIM 310200.

Submission:

Labcorp Genetics (formerly Invitae), Labcorp
Classification: Pathogenic for Duchenne muscular dystrophy. Last evaluated: 2022-08-22. Review status: criteria provided, single submitter. Criteria: Invitae Variant Classification Sherloc (09022015). Collection method: clinical testing. Allele origin: germline.
Comment: This variant results in a copy number gain of the genomic region encompassing exon(s) 46-60 of the DMD gene. While the exact position of this variant cannot be determined from the data, sub-genic copy number gains are generally in tandem (PMID: 25640679). This variant is predicted to be out-of-frame, and may result in an absent or disrupted protein product. Loss-of-function variants in DMD are known to be pathogenic (PMID: 16770791, 25007885). A similar copy number variant has been observed in individuals with DMD-related conditions (PMID: 16917894, 17259292). For these reasons, this variant has been classified as Pathogenic.

Literature cited by the submitters: PubMed 25640679; PubMed 16770791; PubMed 25007885; PubMed 16917894; PubMed 17259292.

NC_000023.10:g.(?_31382270)_(31950364_?)dup

Gene: DMD (dystrophin; minus strand). Cytogenetic location: Xp21.2-21.1.
Variant type: Duplication.
Identifiers: ClinVar variation 2424861 (VCV002424861.4).